The following is an entry in ClinVar:

ClinVar aggregate classification (germline): Conflicting classifications of pathogenicity. Review status: criteria provided, conflicting classifications (1 of 4 stars). 2 submissions from 2 submitters: Uncertain significance (1); Likely benign (1). Last evaluated 2024-11-25.

Conditions:
Telangiectasia, hereditary hemorrhagic, type 2 (HHT2). Also called: ACVRL1-Related Hereditary Hemorrhagic Telangiectasia; Telangiectasia, hereditary hemorrhagic, type II. Identifiers: Orphanet 774, MedGen C1838163, MONDO:0010880, OMIM 600376. Disease mechanism: loss of function.

Allele frequency attached by ClinVar (database versions not stated): TOPMed 0.00001; gnomAD 0.00002; gnomAD exomes 0.00004 and 0.00010; ExAC 0.00007.

Submissions (2):

GeneDx
Classification: Uncertain significance. Last evaluated: 2024-11-25. Review status: criteria provided, single submitter. Criteria: GeneDx Variant Classification Process June 2021. Collection method: clinical testing. Allele origin: germline. Affected: yes.
Comment: In silico analysis supports that this missense variant has a deleterious effect on protein structure/function; Has not been previously published as pathogenic or benign to our knowledge

Labcorp Genetics (formerly Invitae), Labcorp
Classification: Likely benign for Telangiectasia, hereditary hemorrhagic, type 2. Last evaluated: 2023-12-04. Review status: criteria provided, single submitter. Criteria: Invitae Variant Classification Sherloc (09022015). Collection method: clinical testing. Allele origin: germline.

NM_000020.3(ACVRL1):c.664C>T (p.His222Tyr)

Gene: ACVRL1 (activin A receptor like type 1; plus strand). Cytogenetic location: 12q13.13.
Variant type: single nucleotide variant.
Coding change: c.664C>T on transcript NM_000020.3 (MANE Select); coding-DNA position 664, C replaced by T.
Protein change: p.His222Tyr; replaces histidine 222 with tyrosine.
Molecular consequence: missense variant.
Genome position (GRCh38, 1-based): chr12:51,914,477, C>T. VCF-style: chr12-51914477-C-T. GRCh37 (hg19) VCF-style: chr12-52308261-C-T.
Other names: c.664C>T (NM_000020.2); c.664C>T, p.His222Tyr (NM_001077401.2); short protein forms H222Y.
Identifiers: ClinVar variation 1646154 (VCV001646154.9), dbSNP rs746715195, ClinGen allele CA6572967.